The following is an entry in ClinVar:

ClinVar aggregate classification (germline): Uncertain significance. Review status: criteria provided, multiple submitters, no conflicts (2 of 4 stars). 2 submissions from 2 submitters: Uncertain significance (2). Last evaluated 2025-06-08.

Conditions:
TOP2B-related neurodevelopmental disorder.

Allele frequency attached by ClinVar (database versions not stated): gnomAD 0.00001; TOPMed below 0.00001; ExAC 0.00001; gnomAD exomes below 0.00001.

Submissions (2):

Labcorp Genetics (formerly Invitae), Labcorp
Classification: Uncertain significance. Last evaluated: 2025-06-08. Review status: criteria provided, single submitter. Criteria: Invitae Variant Classification Sherloc (09022015). Collection method: clinical testing. Allele origin: germline.
Comment: This sequence change replaces methionine, which is neutral and non-polar, with valine, which is neutral and non-polar, at codon 1619 of the TOP2B protein (p.Met1619Val). This variant is not present in population databases (gnomAD no frequency). This variant has not been reported in the literature in individuals affected with TOP2B-related conditions. ClinVar contains an entry for this variant (Variation ID: 1701643). An algorithm developed to predict the effect of missense changes on protein structure and function (PolyPhen-2) suggests that this variant is likely to be tolerated. In summary, the available evidence is currently insufficient to determine the role of this variant in disease. Therefore, it has been classified as a Variant of Uncertain Significance.

New York Genome Center
Classification: Uncertain significance for TOP2B-related neurodevelopmental disorder. Last evaluated: 2021-09-17. Review status: criteria provided, single submitter. Criteria: NYGC Assertion Criteria 2020. Collection method: clinical testing. Allele origin: germline. Observed: 1 heterozygote. Study: CSER-NYCKidSeq.

NM_001330700.2(TOP2B):c.4870A>G (p.Met1624Val)

Gene: TOP2B (DNA topoisomerase II beta; minus strand). Cytogenetic location: 3p24.2.
Variant type: single nucleotide variant.
Coding change: c.4870A>G on transcript NM_001330700.2 (MANE Select); coding-DNA position 4870, A replaced by G.
Protein change: p.Met1624Val; replaces methionine 1624 with valine.
Molecular consequence: missense variant.
Genome position (GRCh38, 1-based): chr3:25,598,318, T>C on the plus strand (A>G on the coding strand, the complement: TOP2B is on the minus strand). VCF-style: chr3-25598318-T-C. GRCh37 (hg19) VCF-style: chr3-25639809-T-C.
Other names: c.4855A>G, p.Met1619Val (NM_001068.3); short protein forms M1619V, M1624V.
Identifiers: ClinVar variation 1701643 (VCV001701643.6), dbSNP rs774627996, ClinGen allele CA2287946.